The following is an entry in ClinVar:

NM_024408.4(NOTCH2):c.4354G>A (p.Gly1452Arg)

Gene: NOTCH2 (notch receptor 2; minus strand). Cytogenetic location: 1p12.
Variant type: single nucleotide variant.
Coding change: c.4354G>A on transcript NM_024408.4 (MANE Select); coding-DNA position 4354, G replaced by A.
Protein change: p.Gly1452Arg; replaces glycine 1452 with arginine.
Molecular consequence: missense variant.
Genome position (GRCh38, 1-based): chr1:119,925,462, C>T on the plus strand (G>A on the coding strand, the complement: NOTCH2 is on the minus strand). VCF-style: chr1-119925462-C-T. GRCh37 (hg19) VCF-style: chr1-120468085-C-T.
Other names: short protein forms G1452R.
Identifiers: ClinVar variation 1943525 (VCV001943525.5), dbSNP rs2101162049, ClinGen allele CA341890112.

ClinVar aggregate classification (germline): Uncertain significance (1 of 4 stars; one submission).

Conditions:
Hajdu-Cheney syndrome (HJCYS). Also called: SERPENTINE FIBULA-POLYCYSTIC KIDNEY SYNDROME; Acroosteolysis dominant type; ACROOSTEOLYSIS WITH OSTEOPOROSIS AND CHANGES IN SKULL AND MANDIBLE. Identifiers: Orphanet 955, MedGen C0917715, MONDO:0007057, OMIM 102500.

Submission:

Labcorp Genetics (formerly Invitae), Labcorp
Classification: Uncertain significance for Hajdu-Cheney syndrome. Last evaluated: 2023-01-05. Review status: criteria provided, single submitter. Criteria: Invitae Variant Classification Sherloc (09022015). Collection method: clinical testing. Allele origin: germline.
Comment: In summary, the available evidence is currently insufficient to determine the role of this variant in disease. Therefore, it has been classified as a Variant of Uncertain Significance. Algorithms developed to predict the effect of missense changes on protein structure and function (SIFT, PolyPhen-2, Align-GVGD) all suggest that this variant is likely to be disruptive. This variant has not been reported in the literature in individuals affected with NOTCH2-related conditions. This variant is not present in population databases (gnomAD no frequency). This sequence change replaces glycine, which is neutral and non-polar, with arginine, which is basic and polar, at codon 1452 of the NOTCH2 protein (p.Gly1452Arg).